The following is an entry in ClinVar:

ClinVar aggregate classification (germline): Uncertain significance (1 of 4 stars; one submission).

Conditions:
Pulmonary fibrosis and/or bone marrow failure, Telomere-related, 3. Also called: PULMONARY FIBROSIS AND/OR BONE MARROW FAILURE SYNDROME, TELOMERE-RELATED, 3. Identifiers: Orphanet 2032, MedGen C4225346, MONDO:0014613, OMIM 616373.
Dyskeratosis congenita, autosomal recessive 5 (DKCB5). Identifiers: MedGen C3554656, MONDO:0014076, OMIM 615190.

Submission:

Labcorp Genetics (formerly Invitae), Labcorp
Classification: Uncertain significance for Dyskeratosis congenita, autosomal recessive 5; Pulmonary fibrosis and/or bone marrow failure, Telomere-related, 3. Last evaluated: 2023-02-03. Review status: criteria provided, single submitter. Criteria: Invitae Variant Classification Sherloc (09022015). Collection method: clinical testing. Allele origin: germline.
Comment: This sequence change replaces serine, which is neutral and polar, with cysteine, which is neutral and slightly polar, at codon 785 of the RTEL1 protein (p.Ser785Cys). This variant is not present in population databases (gnomAD no frequency). This variant has not been reported in the literature in individuals affected with RTEL1-related conditions. Algorithms developed to predict the effect of missense changes on protein structure and function are either unavailable or do not agree on the potential impact of this missense change (SIFT: "Deleterious"; PolyPhen-2: "Benign"; Align-GVGD: "Class C0"). Algorithms developed to predict the effect of sequence changes on RNA splicing suggest that this variant may disrupt the consensus splice site. In summary, the available evidence is currently insufficient to determine the role of this variant in disease. Therefore, it has been classified as a Variant of Uncertain Significance.

NM_001283009.2(RTEL1):c.2354C>G (p.Ser785Cys)

Genes: RTEL1-TNFRSF6B (RTEL1-TNFRSF6B readthrough (NMD candidate); plus strand), RTEL1 (regulator of telomere elongation helicase 1; plus strand). Cytogenetic location: 20q13.33.
Variant type: single nucleotide variant.
Coding change: c.2354C>G on transcript NM_001283009.2 (MANE Select); coding-DNA position 2354, C replaced by G.
Protein change: p.Ser785Cys; replaces serine 785 with cysteine.
Molecular consequence: missense variant. On other transcripts: non-coding transcript variant (1).
Genome position (GRCh38, 1-based): chr20:63,690,382, C>G. VCF-style: chr20-63690382-C-G. GRCh37 (hg19) VCF-style: chr20-62321735-C-G.
Other names: c.2354C>G, p.Ser785Cys (NM_016434.4); c.2426C>G, p.Ser809Cys (NM_032957.5); c.1685C>G, p.Ser562Cys (NM_001283010.1); short protein forms S562C, S785C, S809C.
Identifiers: ClinVar variation 2943928 (VCV002943928.3), dbSNP rs2517140913, ClinGen allele CA409681056.
Genomic context (GRCh38, chr20:63,690,382, plus strand): 5'-CACCCAGTGTGCGTGGAGAAGATGCTGTCAGCGAGGCCAAGTCGCCTGGCCCCTTCTTCT[C>G]CACCAGGAAAGCTAAGAGTCTGGACCTGCATGTCCCCAGCCTGAAGCAGAGGTCCTCAGG-3'
Protein context (NP_001269938.1, residues 775-795): SEAKSPGPFF[Ser785Cys]TRKAKSLDLH